The following is an entry in ClinVar:

ClinVar aggregate classification (germline): Uncertain significance (1 of 4 stars; one submission).

Allele frequency attached by ClinVar (database versions not stated): gnomAD exomes below 0.00001; ExAC 0.00002.
gnomAD v4.1: 1 of 1,597,154 alleles (0.000063%); highest among the groups gnomAD compares: East Asian, 0.0022%; no homozygotes.

Submission:

Labcorp Genetics (formerly Invitae), Labcorp
Classification: Uncertain significance. Last evaluated: 2024-12-02. Review status: criteria provided, single submitter. Criteria: Invitae Variant Classification Sherloc (09022015). Collection method: clinical testing. Allele origin: germline.
Comment: This sequence change replaces leucine, which is neutral and non-polar, with glutamine, which is neutral and polar, at codon 688 of the ARNT2 protein (p.Leu688Gln). The frequency data for this variant in the population databases is considered unreliable, as metrics indicate poor data quality at this position in the gnomAD database. This variant has not been reported in the literature in individuals affected with ARNT2-related conditions. ClinVar contains an entry for this variant (Variation ID: 1444094). An algorithm developed to predict the effect of missense changes on protein structure and function (PolyPhen-2) suggests that this variant is likely to be disruptive. In summary, the available evidence is currently insufficient to determine the role of this variant in disease. Therefore, it has been classified as a Variant of Uncertain Significance.

NM_014862.4(ARNT2):c.2063T>A (p.Leu688Gln)

Gene: ARNT2 (aryl hydrocarbon receptor nuclear translocator 2; plus strand). Cytogenetic location: 15q25.1.
Variant type: single nucleotide variant.
Coding change: c.2063T>A on transcript NM_014862.4 (MANE Select); coding-DNA position 2063, T replaced by A.
Protein change: p.Leu688Gln; replaces leucine 688 with glutamine.
Molecular consequence: missense variant.
Genome position (GRCh38, 1-based): chr15:80,593,607, T>A. VCF-style: chr15-80593607-T-A. GRCh37 (hg19) VCF-style: chr15-80885948-T-A.
Other names: short protein forms L688Q.
Identifiers: ClinVar variation 1444094 (VCV001444094.6), dbSNP rs778130032, ClinGen allele CA7692268.